The following is an entry in ClinVar:

ClinVar aggregate classification (germline): Pathogenic/Likely pathogenic. Review status: criteria provided, multiple submitters, no conflicts (2 of 4 stars). 2 submissions from 2 submitters: Pathogenic (1); Likely pathogenic (1). Last evaluated 2026-08-11.

Conditions:
KBG syndrome (KBGS). Also called: ANKRD11-Related KBG Syndrome. Identifiers: Orphanet 2332, MedGen C0220687, MONDO:0007846, OMIM 148050.

Submissions (2):

GeneDx
Classification: Likely pathogenic. Last evaluated: 2026-08-11. Review status: criteria provided, single submitter. Criteria: GeneDx Variant Classification Process June 2021. Collection method: clinical testing. Allele origin: germline.
Comment: Frameshift variant predicted to result in protein truncation or nonsense mediated decay in a gene for which loss of function is a known mechanism of disease; Not observed at significant frequency in large population cohorts (gnomAD); Has not been previously published as pathogenic or benign to our knowledge

Labcorp Genetics (formerly Invitae), Labcorp
Classification: Pathogenic for KBG syndrome. Last evaluated: 2024-07-06. Review status: criteria provided, single submitter. Criteria: Invitae Variant Classification Sherloc (09022015). Collection method: clinical testing. Allele origin: germline.
Comment: This sequence change creates a premature translational stop signal (p.Asp1429Glufs*3) in the ANKRD11 gene. It is expected to result in an absent or disrupted protein product. Loss-of-function variants in ANKRD11 are known to be pathogenic (PMID: 21782149, 25125236, 25413698, 25652421). This variant is not present in population databases (gnomAD no frequency). This variant has not been reported in the literature in individuals affected with ANKRD11-related conditions. For these reasons, this variant has been classified as Pathogenic.

Literature cited by the submitters: PubMed 21782149 (cited by Labcorp Genetics (formerly Invitae), Labcorp); PubMed 25125236 (cited by Labcorp Genetics (formerly Invitae), Labcorp); PubMed 25413698 (cited by Labcorp Genetics (formerly Invitae), Labcorp); PubMed 25652421 (cited by Labcorp Genetics (formerly Invitae), Labcorp).

NM_013275.6(ANKRD11):c.4287_4288del (p.Asp1429fs)

Gene: ANKRD11 (ankyrin repeat domain 11; minus strand). Cytogenetic location: 16q24.3.
Variant type: Deletion.
Coding change: c.4287_4288del on transcript NM_013275.6 (MANE Select); coding-DNA positions 4287 to 4288, 2 bases deleted (TA; older notation c.4287_4288delTA).
Protein change: p.Asp1429fs; shifts the reading frame from aspartic acid 1429.
Molecular consequence: frameshift variant.
Genome position (GRCh38, 1-based): chr16:89,282,254-89,282,255, TA deleted on the plus strand (TA on the coding strand, the reverse complement: ANKRD11 is on the minus strand); deleting any 2 consecutive bases within chr16:89,282,254-89,282,256 gives the same sequence; the c. name uses the placement nearest the transcript's 3' end. VCF-style (leftmost placement, unchanged base first): chr16-89282253-TTA-T. GRCh37 (hg19) VCF-style: chr16-89348661-TTA-T.
Other names: c.4287_4288del (NM_013275.5); c.4287_4288del, p.Asp1429fs (NM_001256182.2, NM_001256183.2); short protein forms D1429fs.
Identifiers: ClinVar variation 3658863 (VCV003658863.4).